The following is an entry in ClinVar:

ClinVar aggregate classification (germline): Uncertain significance (1 of 4 stars; one submission).

Conditions:
Cardiovascular phenotype. Identifiers: MedGen CN230736.

Submission:

Ambry Genetics
Classification: Uncertain significance for Cardiovascular phenotype. Last evaluated: 2024-02-23. Review status: criteria provided, single submitter. Criteria: Ambry Variant Classification Scheme 2023. Collection method: clinical testing. Allele origin: germline.
Comment: The p.G1304S variant (also known as c.3910G>A), located in coding exon 51 of the COL1A2 gene, results from a G to A substitution at nucleotide position 3910. The glycine at codon 1304 is replaced by serine, an amino acid with similar properties. This amino acid position is highly conserved in available vertebrate species. In addition, this alteration is predicted to be deleterious by in silico analysis. Based on the available evidence, the clinical significance of this alteration remains unclear.

NM_000089.4(COL1A2):c.3910G>A (p.Gly1304Ser)

Gene: COL1A2 (collagen type I alpha 2 chain; plus strand). Cytogenetic location: 7q21.3.
Variant type: single nucleotide variant.
Coding change: c.3910G>A on transcript NM_000089.4 (MANE Select); coding-DNA position 3910, G replaced by A.
Protein change: p.Gly1304Ser; replaces glycine 1304 with serine.
Molecular consequence: missense variant.
Genome position (GRCh38, 1-based): chr7:94,429,386, G>A. VCF-style: chr7-94429386-G-A. GRCh37 (hg19) VCF-style: chr7-94058698-G-A.
Other names: short protein forms G1304S.
Identifiers: ClinVar variation 3230287 (VCV003230287.1), dbSNP rs2484742028, ClinGen allele CA368227018.